The following is an entry in ClinVar:

ClinVar aggregate classification (germline): Uncertain significance (1 of 4 stars; one submission).

Conditions:
Arrhythmogenic cardiomyopathy with wooly hair and keratoderma. Also called: Carvajal syndrome; Dilated cardiomyopathy with woolly hair and keratoderma; PALMOPLANTAR KERATODERMA WITH LEFT VENTRICULAR CARDIOMYOPATHY AND WOOLLY HAIR; Arrhythmogenic cardiomyopathy with woolly hair and keratoderma. Identifiers: Orphanet 65282, MedGen C1854063, MONDO:0011581, OMIM 605676.
Arrhythmogenic right ventricular dysplasia 8 (ARVD8). Also called: Arrhythmogenic Right Ventricular Dysplasia/Cardiomyopathy 8; ARRHYTHMOGENIC RIGHT VENTRICULAR DYSPLASIA, FAMILIAL, 8; ARRHYTHMOGENIC RIGHT VENTRICULAR CARDIOMYOPATHY 8. Identifiers: MedGen C1843896, MONDO:0011831, OMIM 607450.

Submission:

Labcorp Genetics (formerly Invitae), Labcorp
Classification: Uncertain significance for Arrhythmogenic cardiomyopathy with wooly hair and keratoderma; Arrhythmogenic right ventricular dysplasia 8. Last evaluated: 2022-08-07. Review status: criteria provided, single submitter. Criteria: Invitae Variant Classification Sherloc (09022015). Collection method: clinical testing. Allele origin: germline.
Comment: This sequence change replaces threonine, which is neutral and polar, with isoleucine, which is neutral and non-polar, at codon 634 of the DSP protein (p.Thr634Ile). In summary, the available evidence is currently insufficient to determine the role of this variant in disease. Therefore, it has been classified as a Variant of Uncertain Significance. Algorithms developed to predict the effect of missense changes on protein structure and function are either unavailable or do not agree on the potential impact of this missense change (SIFT: "Tolerated"; PolyPhen-2: "Possibly Damaging"; Align-GVGD: "Class C15"). This variant has not been reported in the literature in individuals affected with DSP-related conditions. This variant is not present in population databases (gnomAD no frequency).

NM_004415.4(DSP):c.1901C>T (p.Thr634Ile)

Gene: DSP (desmoplakin; plus strand). Cytogenetic location: 6p24.3.
Variant type: single nucleotide variant.
Coding change: c.1901C>T on transcript NM_004415.4 (MANE Select); coding-DNA position 1901, C replaced by T.
Protein change: p.Thr634Ile; replaces threonine 634 with isoleucine.
Molecular consequence: missense variant.
Genome position (GRCh38, 1-based): chr6:7,571,582, C>T. VCF-style: chr6-7571582-C-T. GRCh37 (hg19) VCF-style: chr6-7571815-C-T.
Other names: c.1901C>T, p.Thr634Ile (NM_001008844.3, NM_001319034.2); short protein forms T634I.
Identifiers: ClinVar variation 1715432 (VCV001715432.6), dbSNP rs139964486, ClinGen allele CA362679860.